The following is an entry in ClinVar:

NC_012920.1(MT-ND6):m.14466T>C

Gene: MT-ND6 (mitochondrially encoded NADH dehydrogenase 6; minus strand).
Variant type: single nucleotide variant.
Genome position: chrM-14466-T-C.
Identifiers: ClinVar variation 693727 (VCV000693727.1), dbSNP rs1603224741, ClinGen allele CA414822609.

ClinVar aggregate classification (germline): Uncertain significance (1 of 4 stars; one submission).

Conditions:
Leigh syndrome (NULS). Also called: Leigh's necrotizing encephalopathy; Leigh's disease; Leigh's syndrome; LEIGH SYNDROME, NUCLEAR; Leigh Syndrome (mtDNA deletion); Leigh Disease. Identifiers: Orphanet 506, MedGen C2931891, MONDO:0009723, OMIM 256000.

Submission:

Wong Mito Lab, Molecular and Human Genetics, Baylor College of Medicine
Classification: Uncertain significance for Leigh syndrome. Last evaluated: 2019-10-17. Review status: criteria provided, single submitter. Criteria: Modified ACMG Guidelines (Unpublished). Collection method: clinical testing. Allele origin: germline.
Comment: The NC_012920.1:m.14466T>C (YP_003024037.1:p.Thr70Ala) variant in MTND6 gene is interpretated to be a Uncertain Significance variant based on the modified ACMG guidelines (unpublished). This variant meets the following evidence codes: PP7